The following is an entry in ClinVar:

NM_005378.6(MYCN):c.130C>A (p.Pro44Thr)

Genes: MYCN (MYCN proto-oncogene, bHLH transcription factor; plus strand), MYCNOS (MYCN opposite strand; minus strand). Cytogenetic location: 2p24.3.
Variant type: single nucleotide variant.
Coding change: c.130C>A on transcript NM_005378.6 (MANE Select); coding-DNA position 130, C replaced by A.
Protein change: p.Pro44Thr; replaces proline 44 with threonine.
Molecular consequence: missense variant. On other transcripts: non-coding transcript variant (1), 3 prime UTR variant (1), intron variant (1).
Genome position (GRCh38, 1-based): chr2:15,942,194, C>A. VCF-style: chr2-15942194-C-A. GRCh37 (hg19) VCF-style: chr2-16082316-C-A.
Other names: c.130C>A, p.Pro44Thr (NM_001293228.2); c.*65C>A (NM_001293233.2); c.157+1451C>A (NM_001293231.2); short protein forms P44T.
Identifiers: ClinVar variation 4056316 (VCV004056316.1).

ClinVar aggregate classification (germline): Uncertain significance (1 of 4 stars; one submission).

Conditions:
Megalencephaly-polydactyly syndrome (MPAPA). Identifiers: MedGen C5935591, MONDO:0958279, OMIM 620748.

Submission:

Institute of Human Genetics, University of Leipzig Medical Center
Classification: Uncertain significance for Megalencephaly-polydactyly syndrome. Last evaluated: 2025-06-25. Review status: criteria provided, single submitter. Criteria: ACMG Guidelines, 2015. Collection method: clinical testing. Allele origin: de novo. Inheritance: Autosomal dominant inheritance. Affected: yes.
Comment: Criteria applied: PS2_MOD,PM2